The following is an entry in ClinVar:

NM_006662.3(SRCAP):c.3925G>A (p.Val1309Met)

Gene: SRCAP (Snf2 related CREBBP activator protein; plus strand). Cytogenetic location: 16p11.2.
Variant type: single nucleotide variant.
Coding change: c.3925G>A on transcript NM_006662.3 (MANE Select); coding-DNA position 3925, G replaced by A.
Protein change: p.Val1309Met; replaces valine 1309 with methionine.
Molecular consequence: missense variant.
Genome position (GRCh38, 1-based): chr16:30,722,995, G>A. VCF-style: chr16-30722995-G-A. GRCh37 (hg19) VCF-style: chr16-30734316-G-A.
Other names: short protein forms V1309M.
Identifiers: ClinVar variation 3378143 (VCV003378143.1).

ClinVar aggregate classification (germline): Uncertain significance (1 of 4 stars; one submission).

Submission:

GeneDx
Classification: Uncertain significance. Last evaluated: 2024-05-06. Review status: criteria provided, single submitter. Criteria: GeneDx Variant Classification Process June 2021. Collection method: clinical testing. Allele origin: germline. Affected: yes.
Comment: Not observed at significant frequency in large population cohorts (gnomAD); In silico analysis indicates that this missense variant does not alter protein structure/function; Has not been previously published as pathogenic or benign to our knowledge